The following is an entry in ClinVar:

ClinVar aggregate classification (germline): Uncertain significance. Review status: criteria provided, multiple submitters, no conflicts (2 of 4 stars). 2 submissions from 2 submitters: Uncertain significance (2). Last evaluated 2025-05-05.

Allele frequency attached by ClinVar (database versions not stated): gnomAD exomes below 0.00001; TOPMed 0.00001.
gnomAD v4.1: 8 of 1,612,952 alleles (0.0005%); highest among the groups gnomAD compares: Admixed American, 0.0017%; no homozygotes.

Submissions (2):

Labcorp Genetics (formerly Invitae), Labcorp
Classification: Uncertain significance. Last evaluated: 2025-05-05. Review status: criteria provided, single submitter. Criteria: Invitae Variant Classification Sherloc (09022015). Collection method: clinical testing. Allele origin: germline.
Comment: This sequence change replaces glutamic acid, which is acidic and polar, with glutamine, which is neutral and polar, at codon 919 of the DSTYK protein (p.Glu919Gln). This variant is not present in population databases (gnomAD no frequency). This variant has not been reported in the literature in individuals affected with DSTYK-related conditions. ClinVar contains an entry for this variant (Variation ID: 1400725). An algorithm developed to predict the effect of missense changes on protein structure and function (PolyPhen-2) suggests that this variant is likely to be tolerated. In summary, the available evidence is currently insufficient to determine the role of this variant in disease. Therefore, it has been classified as a Variant of Uncertain Significance.

Ambry Genetics
Classification: Uncertain significance. Last evaluated: 2025-04-03. Review status: criteria provided, single submitter. Criteria: Ambry Variant Classification Scheme 2023. Collection method: clinical testing. Allele origin: germline.

NM_015375.3(DSTYK):c.2755G>C (p.Glu919Gln)

Gene: DSTYK (dual serine/threonine and tyrosine protein kinase; minus strand). Cytogenetic location: 1q32.1.
Variant type: single nucleotide variant.
Coding change: c.2755G>C on transcript NM_015375.3 (MANE Select); coding-DNA position 2755, G replaced by C.
Protein change: p.Glu919Gln; replaces glutamic acid 919 with glutamine.
Molecular consequence: missense variant.
Genome position (GRCh38, 1-based): chr1:205,147,593, C>G on the plus strand (G>C on the coding strand, the complement: DSTYK is on the minus strand). VCF-style: chr1-205147593-C-G. GRCh37 (hg19) VCF-style: chr1-205116721-C-G.
Other names: c.2620G>C, p.Glu874Gln (NM_199462.3); c.2755G>C (NM_015375.2); short protein forms E874Q, E919Q.
Identifiers: ClinVar variation 1400725 (VCV001400725.7), dbSNP rs939944869, ClinGen allele CA36419532.
Genomic context (GRCh38, chr1:205,147,593, plus strand): 5'-GAGTGAAAGAGAAAGGTCTTTGCTTTCAAGTAGAATCATCTAGTCCTCTGTTTGGCTGCT[C>G]AGAATTGGACTTGCAGAGCCGATTCATGATGCCCTGGAGCATGGGCTGGACAATGCCCAA-3'
Protein context (NP_056190.1, residues 909-929): IMNRLCKSNS[Glu919Gln]QPNRGLDDST